The following is an entry in ClinVar:

ClinVar aggregate classification (germline): Uncertain significance (1 of 4 stars; one submission).

Conditions:
Inborn genetic diseases. Identifiers: MedGen C0950123, MeSH D030342.

gnomAD v4.1: 2 of 1,613,604 alleles (0.00012%); highest among the groups gnomAD compares: African/African-American, 0.0013%; no homozygotes.

Submission:

Ambry Genetics
Classification: Uncertain significance for Inborn genetic diseases. Last evaluated: 2025-04-03. Review status: criteria provided, single submitter. Criteria: Ambry Variant Classification Scheme 2023. Collection method: clinical testing. Allele origin: germline.
Comment: The p.A592T variant (also known as c.1774G>A), located in coding exon 1 of the SAMD9 gene, results from a G to A substitution at nucleotide position 1774. The alanine at codon 592 is replaced by threonine, an amino acid with similar properties. This amino acid position is conserved. In addition, this alteration is predicted to be tolerated by in silico analysis. Based on the available evidence, the clinical significance of this variant remains unclear.

NM_017654.4(SAMD9):c.1774G>A (p.Ala592Thr)

Gene: SAMD9 (sterile alpha motif domain containing 9; minus strand). Cytogenetic location: 7q21.2.
Variant type: single nucleotide variant.
Coding change: c.1774G>A on transcript NM_017654.4 (MANE Select); coding-DNA position 1774, G replaced by A.
Protein change: p.Ala592Thr; replaces alanine 592 with threonine.
Molecular consequence: missense variant.
Genome position (GRCh38, 1-based): chr7:93,104,324, C>T on the plus strand (G>A on the coding strand, the complement: SAMD9 is on the minus strand). VCF-style: chr7-93104324-C-T. GRCh37 (hg19) VCF-style: chr7-92733637-C-T.
Other names: c.1774G>A, p.Ala592Thr (NM_001193307.2); short protein forms A592T.
Identifiers: ClinVar variation 3949511 (VCV003949511.1).